The following is an entry in ClinVar:

ClinVar aggregate classification (germline): Uncertain significance. Review status: criteria provided, multiple submitters, no conflicts (2 of 4 stars). 2 submissions from 2 submitters: Uncertain significance (2). Last evaluated 2025-04-17.

Allele frequency attached by ClinVar (database versions not stated): gnomAD exomes below 0.00001; gnomAD 0.00001.
gnomAD v4.1: 5 of 1,614,030 alleles (0.00031%); highest among the groups gnomAD compares: South Asian, 0.0011%; no homozygotes.

Submissions (2):

Ambry Genetics
Classification: Uncertain significance. Last evaluated: 2025-04-17. Review status: criteria provided, single submitter. Criteria: Ambry Variant Classification Scheme 2023. Collection method: clinical testing. Allele origin: germline.

GeneDx
Classification: Uncertain significance. Last evaluated: 2022-02-08. Review status: criteria provided, single submitter. Criteria: GeneDx Variant Classification Process June 2021. Collection method: clinical testing. Allele origin: germline. Affected: yes.
Comment: Not observed at significant frequency in large population cohorts (gnomAD); In silico analysis supports that this missense variant has a deleterious effect on protein structure/function; In silico analysis, which includes splice predictors and evolutionary conservation, suggests this variant may impact gene splicing. In the absence of RNA/functional studies, the actual effect of this sequence change is unknown.; Has not been previously published as pathogenic or benign to our knowledge

NM_001252102.2(KIF21B):c.826G>A (p.Gly276Ser)

Gene: KIF21B (kinesin family member 21B; minus strand). Cytogenetic location: 1q32.1.
Variant type: single nucleotide variant.
Coding change: c.826G>A on transcript NM_001252102.2 (MANE Select); coding-DNA position 826, G replaced by A.
Protein change: p.Gly276Ser; replaces glycine 276 with serine.
Molecular consequence: missense variant.
Genome position (GRCh38, 1-based): chr1:201,004,840, C>T on the plus strand (G>A on the coding strand, the complement: KIF21B is on the minus strand). VCF-style: chr1-201004840-C-T. GRCh37 (hg19) VCF-style: chr1-200973968-C-T.
Other names: c.826G>A, p.Gly276Ser (NM_001252100.2, NM_001252103.2, NM_017596.4); c.826G>A (NM_017596.2); short protein forms G276S.
Identifiers: ClinVar variation 1700317 (VCV001700317.3), dbSNP rs1657708643, ClinGen allele CA344112126.
Genomic context (GRCh38, chr1:201,004,840, plus strand): 5'-TGGAGATGCCCTCCTTGGCCCGCTCGCCAGTAGCCCCTGTCCGCTTCAGCCGCTCTGAGC[C>T]GGCCAGGTCCACAAAGTGAAACTTAGCAGTGAGTGTCTCATACTCACTCGAGGGAGGTGT-3'
Protein context (NP_001239031.1, residues 266-286): TAKFHFVDLA[Gly276Ser]SERLKRTGAT